The following is an entry in ClinVar:

NM_183381.3(RNF13):c.1089C>T (p.Val363=)

Gene: RNF13 (ring finger protein 13; plus strand). Cytogenetic location: 3q25.1.
Variant type: single nucleotide variant.
Coding change: c.1089C>T on transcript NM_183381.3 (MANE Select); coding-DNA position 1089, C replaced by T.
Protein change: p.Val363=; no amino-acid change (valine 363 retained).
Molecular consequence: synonymous variant. On other transcripts: non-coding transcript variant (1).
Genome position (GRCh38, 1-based): chr3:149,961,047, C>T. VCF-style: chr3-149961047-C-T. GRCh37 (hg19) VCF-style: chr3-149678834-C-T.
Other names: c.1089C>T, p.Val363= (NM_001378285.1, NM_001378286.1, NM_007282.4); c.732C>T, p.Val244= (NM_001378287.1, NM_001378288.1, NM_001378289.1 and 2 more transcripts); c.696C>T, p.Val232= (NM_001378291.1).
Identifiers: ClinVar variation 1599010 (VCV001599010.23), dbSNP rs371997640, ClinGen allele CA2663162.

ClinVar aggregate classification (germline): Benign/Likely benign. Review status: criteria provided, multiple submitters, no conflicts (2 of 4 stars). 4 submissions from 4 submitters: Benign (2); Likely benign (2). Last evaluated 2025-12-03.

Allele frequency attached by ClinVar (database versions not stated): ESP Exome Variant Server 0.00015; 1000 Genomes Project 0.00020; ExAC 0.00022; gnomAD exomes 0.00028; gnomAD 0.00034; TOPMed 0.00037.
gnomAD v4.1: 440 of 1,613,844 alleles (0.027%); highest among the groups gnomAD compares: Middle Eastern, 0.2%; no homozygotes.

Submissions (4):

Labcorp Genetics (formerly Invitae), Labcorp
Classification: Benign. Last evaluated: 2025-12-03. Review status: criteria provided, single submitter. Criteria: Invitae Variant Classification Sherloc (09022015). Collection method: clinical testing. Allele origin: germline.

CeGaT Center for Human Genetics Tuebingen
Classification: Likely benign. Last evaluated: 2024-09-01. Review status: criteria provided, single submitter. Criteria: CeGaT Center For Human Genetics Tuebingen Variant Classification Criteria Version 2. Collection method: clinical testing. Allele origin: germline. Affected: yes. Observed: 1 variant allele.
Comment: RNF13: BP4, BP7

Blueprint Genetics
Classification: Likely benign. Last evaluated: 2024-08-07. Review status: criteria provided, single submitter. Criteria: ACMG Guidelines, 2015. Collection method: clinical testing. Allele origin: germline.

Breakthrough Genomics
Classification: Benign. Review status: criteria provided, single submitter. Criteria: ACMG Guidelines, 2015. Collection method: not provided. Allele origin: germline. Inheritance: Autosomal dominant inheritance. Affected: yes.